The following is an entry in ClinVar:

NM_001903.5(CTNNA1):c.1679T>C (p.Met560Thr)

Gene: CTNNA1 (catenin alpha 1; plus strand). Cytogenetic location: 5q31.2.
Variant type: single nucleotide variant.
Coding change: c.1679T>C on transcript NM_001903.5 (MANE Select); coding-DNA position 1679, T replaced by C.
Protein change: p.Met560Thr; replaces methionine 560 with threonine.
Molecular consequence: missense variant.
Genome position (GRCh38, 1-based): chr5:138,924,642, T>C. VCF-style: chr5-138924642-T-C. GRCh37 (hg19) VCF-style: chr5-138260331-T-C.
Other names: c.569T>C, p.Met190Thr (NM_001324001.1, NM_001324002.1, NM_001324003.1 and 17 more transcripts); c.230T>C, p.Met77Thr (NM_001324006.1, NM_001324007.1, NM_001324008.1 and 2 more transcripts); c.476T>C, p.Met159Thr (NM_001324011.1); c.326T>C, p.Met109Thr (NM_001324012.1, NM_001324013.1); c.1679T>C, p.Met560Thr (NM_001290307.3, NM_001323982.2, NM_001323983.1 and 2 more transcripts); c.1370T>C, p.Met457Thr (NM_001290309.3); c.1310T>C, p.Met437Thr (NM_001290310.3); c.1586T>C, p.Met529Thr (NM_001323986.2); short protein forms M109T, M159T, M457T, M190T, M529T, M560T, M437T, M77T.
Identifiers: ClinVar variation 3650725 (VCV003650725.2).

ClinVar aggregate classification (germline): Uncertain significance (1 of 4 stars; one submission).

Submission:

Labcorp Genetics (formerly Invitae), Labcorp
Classification: Uncertain significance. Last evaluated: 2024-04-24. Review status: criteria provided, single submitter. Criteria: Invitae Variant Classification Sherloc (09022015). Collection method: clinical testing. Allele origin: germline.
Comment: This sequence change replaces methionine, which is neutral and non-polar, with threonine, which is neutral and polar, at codon 560 of the CTNNA1 protein (p.Met560Thr). This variant is not present in population databases (gnomAD no frequency). This variant has not been reported in the literature in individuals affected with CTNNA1-related conditions. Advanced modeling of protein sequence and biophysical properties (such as structural, functional, and spatial information, amino acid conservation, physicochemical variation, residue mobility, and thermodynamic stability) performed at Invitae indicates that this missense variant is expected to disrupt CTNNA1 protein function with a positive predictive value of 80%. In summary, the available evidence is currently insufficient to determine the role of this variant in disease. Therefore, it has been classified as a Variant of Uncertain Significance.